The following is an entry in ClinVar:

NM_000180.4(GUCY2D):c.2479T>G (p.Tyr827Asp)

Gene: GUCY2D (guanylate cyclase 2D, retinal; plus strand). Cytogenetic location: 17p13.1.
Variant type: single nucleotide variant.
Coding change: c.2479T>G on transcript NM_000180.4 (MANE Select); coding-DNA position 2479, T replaced by G.
Protein change: p.Tyr827Asp; replaces tyrosine 827 with aspartic acid.
Molecular consequence: missense variant.
Genome position (GRCh38, 1-based): chr17:8,014,667, T>G. VCF-style: chr17-8014667-T-G. GRCh37 (hg19) VCF-style: chr17-7917985-T-G.
Other names: short protein forms Y827D.
Identifiers: ClinVar variation 1401123 (VCV001401123.5), dbSNP rs2151803325, ClinGen allele CA397953529.

ClinVar aggregate classification (germline): Uncertain significance (1 of 4 stars; one submission).

Conditions:
Cone-rod dystrophy 6 (CORD6). Also called: RETINAL CONE DYSTROPHY 2; Cone dystrophy progressive. Identifiers: Orphanet 1872, MedGen C1866293, MONDO:0011143, OMIM 601777.
Leber congenital amaurosis 1 (LCA1). Also called: Congenital absence of the rods and cones; Leber's congenital tapetoretinal degeneration; Leber's congenital tapetoretinal dysplasia; AMAUROSIS CONGENITA OF LEBER I; RETINAL BLINDNESS, CONGENITAL. Identifiers: Orphanet 65, MedGen C2931258, MONDO:0008764, OMIM 204000.

Submission:

Labcorp Genetics (formerly Invitae), Labcorp
Classification: Uncertain significance for Leber congenital amaurosis 1; Cone-rod dystrophy 6. Last evaluated: 2022-10-13. Review status: criteria provided, single submitter. Criteria: Invitae Variant Classification Sherloc (09022015). Collection method: clinical testing. Allele origin: germline.
Comment: This sequence change replaces tyrosine, which is neutral and polar, with aspartic acid, which is acidic and polar, at codon 827 of the GUCY2D protein (p.Tyr827Asp). This variant is not present in population databases (gnomAD no frequency). This variant has not been reported in the literature in individuals affected with GUCY2D-related conditions. ClinVar contains an entry for this variant (Variation ID: 1401123). Algorithms developed to predict the effect of missense changes on protein structure and function (SIFT, PolyPhen-2, Align-GVGD) all suggest that this variant is likely to be disruptive. In summary, the available evidence is currently insufficient to determine the role of this variant in disease. Therefore, it has been classified as a Variant of Uncertain Significance.